The following is an entry in ClinVar:

ClinVar aggregate classification (germline): Likely benign. Review status: criteria provided, multiple submitters, no conflicts (2 of 4 stars). 2 submissions from 2 submitters: Likely benign (2). Last evaluated 2025-10-16.

Allele frequency attached by ClinVar (database versions not stated): ExAC 0.00001; gnomAD 0.00001; gnomAD exomes 0.00001; TOPMed 0.00001.
gnomAD v4.1: 24 of 1,611,390 alleles (0.0015%); highest among the groups gnomAD compares: East Asian, 0.0022%; no homozygotes.

Submissions (2):

Labcorp Genetics (formerly Invitae), Labcorp
Classification: Likely benign. Last evaluated: 2025-10-16. Review status: criteria provided, single submitter. Criteria: Invitae Variant Classification Sherloc (09022015). Collection method: clinical testing. Allele origin: germline.

CeGaT Center for Human Genetics Tuebingen
Classification: Likely benign. Last evaluated: 2025-04-01. Review status: criteria provided, single submitter. Criteria: CeGaT Center For Human Genetics Tuebingen Variant Classification Criteria Version 2. Collection method: clinical testing. Allele origin: germline. Affected: yes. Observed: 1 variant allele.
Comment: GIPC3: BP4, BP7

NM_133261.3(GIPC3):c.843C>T (p.Arg281=)

Gene: GIPC3 (GIPC PDZ domain containing family member 3; plus strand). Cytogenetic location: 19p13.3.
Variant type: single nucleotide variant.
Coding change: c.843C>T on transcript NM_133261.3 (MANE Select); coding-DNA position 843, C replaced by T.
Protein change: p.Arg281=; no amino-acid change (arginine 281 retained).
Molecular consequence: synonymous variant.
Genome position (GRCh38, 1-based): chr19:3,590,094, C>T. VCF-style: chr19-3590094-C-T. GRCh37 (hg19) VCF-style: chr19-3590092-C-T.
Other names: c.856C>T, p.Leu286= (NM_001411144.1).
Identifiers: ClinVar variation 1912553 (VCV001912553.12), dbSNP rs772581175, ClinGen allele CA9080615.